The following is an entry in ClinVar:

NM_181882.3(PRX):c.479T>C (p.Phe160Ser)

Gene: PRX (periaxin; minus strand). Cytogenetic location: 19q13.2.
Variant type: single nucleotide variant.
Coding change: c.479T>C on transcript NM_181882.3 (MANE Select); coding-DNA position 479, T replaced by C.
Protein change: p.Phe160Ser; replaces phenylalanine 160 with serine.
Molecular consequence: missense variant. On other transcripts: 3 prime UTR variant (1).
Genome position (GRCh38, 1-based): chr19:40,397,873, A>G on the plus strand (T>C on the coding strand, the complement: PRX is on the minus strand). VCF-style: chr19-40397873-A-G. GRCh37 (hg19) VCF-style: chr19-40903780-A-G.
Other names: c.*684T>C (NM_020956.2); short protein forms F160S.
Identifiers: ClinVar variation 1000521 (VCV001000521.6), dbSNP rs2079458015, ClinGen allele CA405900464.

ClinVar aggregate classification (germline): Uncertain significance (1 of 4 stars; one submission).

Conditions:
Charcot-Marie-Tooth disease type 4. Also called: Charcot-Marie-Tooth, Type 4; Charcot-Marie-Tooth disease, type IV. Identifiers: Orphanet 64749, MedGen C4082197, MONDO:0018995.

Submission:

Labcorp Genetics (formerly Invitae), Labcorp
Classification: Uncertain significance for Charcot-Marie-Tooth disease type 4. Last evaluated: 2020-03-26. Review status: criteria provided, single submitter. Criteria: Invitae Variant Classification Sherloc (09022015). Collection method: clinical testing. Allele origin: germline.
Comment: This variant has not been reported in the literature in individuals with PRX-related conditions. This variant is not present in population databases (ExAC no frequency). This sequence change replaces phenylalanine with serine at codon 160 of the PRX protein (p.Phe160Ser). The phenylalanine residue is highly conserved and there is a large physicochemical difference between phenylalanine and serine. Algorithms developed to predict the effect of missense changes on protein structure and function are either unavailable or do not agree on the potential impact of this missense change (SIFT: "Tolerated"; PolyPhen-2: "Possibly Damaging"; Align-GVGD: "Class C0"). In summary, the available evidence is currently insufficient to determine the role of this variant in disease. Therefore, it has been classified as a Variant of Uncertain Significance.